The following is an entry in ClinVar:

NM_030777.4(SLC2A10):c.238G>A (p.Gly80Arg)

Gene: SLC2A10 (solute carrier family 2 member 10; plus strand). Cytogenetic location: 20q13.12.
Variant type: single nucleotide variant.
Coding change: c.238G>A on transcript NM_030777.4 (MANE Select); coding-DNA position 238, G replaced by A.
Protein change: p.Gly80Arg; replaces glycine 80 with arginine.
Molecular consequence: missense variant.
Genome position (GRCh38, 1-based): chr20:46,725,274, G>A. VCF-style: chr20-46725274-G-A. GRCh37 (hg19) VCF-style: chr20-45353913-G-A.
Other names: short protein forms G80R.
Identifiers: ClinVar variation 450591 (VCV000450591.7), dbSNP rs369865870, ClinGen allele CA9891935.

ClinVar aggregate classification (germline): Uncertain significance. Review status: criteria provided, multiple submitters, no conflicts (2 of 4 stars). 3 submissions from 3 submitters: Uncertain significance (3). Last evaluated 2026-08-06.

Conditions:
SLC2A10-related disorder. Also called: SLC2A10-related condition.
Familial thoracic aortic aneurysm and aortic dissection (TAAD). Also called: Thoracic aortic aneurysms and dissections. Identifiers: Orphanet 91387, MedGen C4707243, MONDO:0019625.

Allele frequency attached by ClinVar (database versions not stated): ESP Exome Variant Server 0.00015; 1000 Genomes Project 30x 0.00016; gnomAD 0.00010; TOPMed 0.00006.

Submissions (3):

GeneDx
Classification: Uncertain significance. Last evaluated: 2026-08-06. Review status: criteria provided, single submitter. Criteria: GeneDx Variant Classification Process June 2021. Collection method: clinical testing. Allele origin: germline.
Comment: In silico analysis suggests that this missense variant does not alter protein structure/function; Has not been previously published as pathogenic or benign to our knowledge

Ambry Genetics
Classification: Uncertain significance for Familial thoracic aortic aneurysm and aortic dissection. Last evaluated: 2025-11-24. Review status: criteria provided, single submitter. Criteria: Ambry Variant Classification Scheme 2023. Collection method: clinical testing. Allele origin: germline.
Comment: The p.G80R variant (also known as c.238G>A), located in coding exon 2 of the SLC2A10 gene, results from a G to A substitution at nucleotide position 238. The glycine at codon 80 is replaced by arginine, an amino acid with dissimilar properties. This amino acid position is not well conserved in available vertebrate species. In addition, this alteration is predicted to be tolerated by in silico analysis. Since supporting evidence is limited at this time, the clinical significance of this alteration remains unclear.

PreventionGenetics, part of Exact Sciences
Classification: Uncertain significance for SLC2A10-related condition. Last evaluated: 2023-07-11. Review status: criteria provided, single submitter. Criteria: ACMG Guidelines, 2015. Collection method: clinical testing. Allele origin: germline.
Comment: The SLC2A10 c.238G>A variant is predicted to result in the amino acid substitution p.Gly80Arg. To our knowledge, this variant has not been reported in the literature. This variant is reported in 0.032% of alleles in individuals of African descent in gnomAD. At this time, the clinical significance of this variant is uncertain due to the absence of conclusive functional and genetic evidence.